The following is an entry in ClinVar:

NM_015443.4(KANSL1):c.2825G>A (p.Arg942Gln)

Gene: KANSL1 (KAT8 regulatory NSL complex subunit 1). Cytogenetic location: 17q21.31.
Variant type: single nucleotide variant.
Coding change: c.2825G>A on transcript NM_015443.4 (MANE Select); coding-DNA position 2825, G replaced by A.
Protein change: p.Arg942Gln; replaces arginine 942 with glutamine.
Molecular consequence: missense variant.
Genome position (GRCh38, 1-based): chr17:46,033,092, C>T on the plus strand (G>A on the coding strand, the complement: KANSL1 is on the minus strand). VCF-style: chr17-46033092-C-T. GRCh37 (hg19) VCF-style: chr17-44110458-C-T.
Other names: c.2822G>A, p.Arg941Gln (NM_001193465.2); c.2825G>A, p.Arg942Gln (NM_001193466.2, NM_001379198.1); short protein forms R941Q, R942Q.
Identifiers: ClinVar variation 1521427 (VCV001521427.8), dbSNP rs2146314710, ClinGen allele CA399987483.
Genomic context (GRCh38, chr17:46,033,092, plus strand): 5'-GTCCACCCTCTCTCCACAGGCCCTGGGGACCCAAGCCTGCCCCATCACCTGCTGCCCCGC[C>T]GCTGGGGTGGCACACTCGTGGTCCACAGCCACCGTGCCCTCTCCATCTCCTCACATTTGG-3'
Protein context (NP_056258.1, residues 932-952): WLWTTSVPPQ[Arg942Gln]RGSRSYRSSD

ClinVar aggregate classification (germline): Uncertain significance (1 of 4 stars; one submission).

Conditions:
Koolen-de Vries syndrome (KDVS). Identifiers: Orphanet 96169, MedGen C1864871, MONDO:0012496, OMIM 610443.

Allele frequency attached by ClinVar (database versions not stated): gnomAD exomes below 0.00001.
gnomAD v4.1: 4 of 1,586,758 alleles (0.00025%); highest among the groups gnomAD compares: Middle Eastern, 0.017%; no homozygotes.

Submission:

Labcorp Genetics (formerly Invitae), Labcorp
Classification: Uncertain significance for Koolen-de Vries syndrome. Last evaluated: 2021-06-06. Review status: criteria provided, single submitter. Criteria: Invitae Variant Classification Sherloc (09022015). Collection method: clinical testing. Allele origin: germline.
Comment: This sequence change replaces arginine with glutamine at codon 942 of the KANSL1 protein (p.Arg942Gln). The arginine residue is highly conserved and there is a small physicochemical difference between arginine and glutamine. This variant is not present in population databases (ExAC no frequency). This variant has not been reported in the literature in individuals with KANSL1-related conditions. Algorithms developed to predict the effect of missense changes on protein structure and function (SIFT, PolyPhen-2, Align-GVGD) all suggest that this variant is likely to be disruptive, but these predictions have not been confirmed by published functional studies and their clinical significance is uncertain. Algorithms developed to predict the effect of sequence changes on RNA splicing suggest that this variant may create or strengthen a splice site, but this prediction has not been confirmed by published transcriptional studies. In summary, the available evidence is currently insufficient to determine the role of this variant in disease. Therefore, it has been classified as a Variant of Uncertain Significance.